The following is an entry in ClinVar:

ClinVar aggregate classification (germline): Uncertain significance (1 of 4 stars; one submission).

Conditions:
Cardiomyopathy (CMYO). Also called: Cardiomyopathies. Identifiers: Orphanet 167848, MedGen C0878544, MONDO:0004994, HP:0001638. Inheritance: Various modes of inheritance.

Submission:

All of Us Research Program, National Institutes of Health
Classification: Uncertain significance for Cardiomyopathy. Last evaluated: 2023-07-11. Review status: criteria provided, single submitter. Criteria: ACMG Guidelines, 2015. Collection method: clinical testing. Allele origin: germline. Inheritance: Autosomal dominant inheritance. Observed: 1 variant allele, 1 heterozygote.
Comment: This study involves interpretation of variants in research participants for the purpose of population health screening. Participant phenotype was not available at the time of variant classification. Additional details can be found in publication PMID: 35346344, PMCID: PMC8962531

NM_000257.4(MYH7):c.4288G>T (p.Val1430Leu)

Genes: MHRT (myosin heavy chain associated RNA transcript; plus strand), MYH7 (myosin heavy chain 7; minus strand). Cytogenetic location: 14q11.2.
Variant type: single nucleotide variant.
Coding change: c.4288G>T on transcript NM_000257.4 (MANE Select); coding-DNA position 4288, G replaced by T.
Protein change: p.Val1430Leu; replaces valine 1430 with leucine.
Molecular consequence: missense variant. On other transcripts: non-coding transcript variant (1).
Genome position (GRCh38, 1-based): chr14:23,417,568, C>A on the plus strand (G>T on the coding strand, the complement: MYH7 is on the minus strand). VCF-style: chr14-23417568-C-A. GRCh37 (hg19) VCF-style: chr14-23886777-C-A.
Other names: c.4288G>T, p.Val1430Leu (NM_001407004.1); short protein forms V1430L.
Identifiers: ClinVar variation 3072281 (VCV003072281.1), dbSNP rs2502251699, ClinGen allele CA389040213.